The following is an entry in ClinVar:

NM_001291867.2(NHS):c.4624A>G (p.Ser1542Gly)

Gene: NHS (NHS actin remodeling regulator; plus strand). Cytogenetic location: Xp22.13.
Variant type: single nucleotide variant.
Coding change: c.4624A>G on transcript NM_001291867.2 (MANE Select); coding-DNA position 4624, A replaced by G.
Protein change: p.Ser1542Gly; replaces serine 1542 with glycine.
Molecular consequence: missense variant.
Genome position (GRCh38, 1-based): chrX:17,732,132, A>G. VCF-style: chrX-17732132-A-G. GRCh37 (hg19) VCF-style: chrX-17750252-A-G.
Other names: c.4093A>G, p.Ser1365Gly (NM_001136024.4); c.4030A>G, p.Ser1344Gly (NM_001291868.2); c.4561A>G, p.Ser1521Gly (NM_198270.4); short protein forms S1344G, S1365G, S1521G, S1542G.
Identifiers: ClinVar variation 3367354 (VCV003367354.1).
Genomic context (GRCh38, chrX:17,732,132, plus strand): 5'-CTCAAGAAAGGCAGTCGCTCAGATTCTAGTTACCGCATGTCTGCCACTGAGATCCTGAAG[A>G]GCCCCATACTGCCCAAACCTCCTGGGGAGCTCACAGCAGAGTCCCCTCAGAGCACCGATG-3'
Protein context (NP_001278796.1, residues 1532-1552): YRMSATEILK[Ser1542Gly]PILPKPPGEL

ClinVar aggregate classification (germline): Uncertain significance (1 of 4 stars; one submission).

gnomAD v4.1: 2 of 1,211,845 alleles (0.00017%); highest among the groups gnomAD compares: Non-Finnish European, 0.00022%; no homozygotes.

Submission:

GeneDx
Classification: Uncertain significance. Last evaluated: 2023-12-27. Review status: criteria provided, single submitter. Criteria: GeneDx Variant Classification Process June 2021. Collection method: clinical testing. Allele origin: germline. Affected: yes.
Comment: Not observed at significant frequency in large population cohorts (gnomAD); In silico analysis supports that this missense variant does not alter protein structure/function; Has not been previously published as pathogenic or benign to our knowledge